The following is an entry in ClinVar:

ClinVar aggregate classification (germline): Uncertain significance (1 of 4 stars; one submission).

Submission:

Labcorp Genetics (formerly Invitae), Labcorp
Classification: Uncertain significance. Last evaluated: 2022-08-31. Review status: criteria provided, single submitter. Criteria: Invitae Variant Classification Sherloc (09022015). Collection method: clinical testing. Allele origin: germline.
Comment: This variant has not been reported in the literature in individuals affected with ERCC6L2-related conditions. This variant is not present in population databases (gnomAD no frequency). This sequence change replaces lysine, which is basic and polar, with threonine, which is neutral and polar, at codon 849 of the ERCC6L2 protein (p.Lys849Thr). ClinVar contains an entry for this variant (Variation ID: 1345697). Algorithms developed to predict the effect of missense changes on protein structure and function are either unavailable or do not agree on the potential impact of this missense change (SIFT: "Tolerated"; PolyPhen-2: "Not Available"; Align-GVGD: "Class C0"). In summary, the available evidence is currently insufficient to determine the role of this variant in disease. Therefore, it has been classified as a Variant of Uncertain Significance.

NM_020207.7(ERCC6L2):c.2513A>C (p.Lys838Thr)

Gene: ERCC6L2 (ERCC excision repair 6 like 2; plus strand). Cytogenetic location: 9q22.32.
Variant type: single nucleotide variant.
Coding change: c.2513A>C on transcript NM_020207.7 (MANE Select); coding-DNA position 2513, A replaced by C.
Protein change: p.Lys838Thr; replaces lysine 838 with threonine.
Molecular consequence: missense variant. On other transcripts: non-coding transcript variant (1).
Genome position (GRCh38, 1-based): chr9:95,972,264, A>C. VCF-style: chr9-95972264-A-C. GRCh37 (hg19) VCF-style: chr9-98734546-A-C.
Other names: c.2513A>C, p.Lys838Thr (NM_001375291.1, NM_001375292.1, NM_001375293.1 and 1 more transcripts); short protein forms K838T.
Identifiers: ClinVar variation 1345697 (VCV001345697.8), dbSNP rs2133079493, ClinGen allele CA2573144788.
Genomic context (GRCh38, chr9:95,972,264, plus strand): 5'-AAAGTTCTGATGAGCAGCCCACATGCCTTTCAACAGAAGCCAAAGATGCTGGTTGTGAGA[A>C]AAATCAGGACTCTCTTGGTACTTCAAAACATCAGAAATTAGATAACATCCTAAATCCAAA-3'
Protein context (NP_064592.3, residues 828-848): STEAKDAGCE[Lys838Thr]NQDSLGTSKH